The following is an entry in ClinVar:

NM_002691.4(POLD1):c.2685C>A (p.Ala895=)

Gene: POLD1 (DNA polymerase delta 1, catalytic subunit; plus strand). Cytogenetic location: 19q13.33.
Variant type: single nucleotide variant.
Coding change: c.2685C>A on transcript NM_002691.4 (MANE Select); coding-DNA position 2685, C replaced by A.
Protein change: p.Ala895=; no amino-acid change (alanine 895 retained).
Molecular consequence: synonymous variant. On other transcripts: non-coding transcript variant (1).
Genome position (GRCh38, 1-based): chr19:50,415,558, C>A. VCF-style: chr19-50415558-C-A. GRCh37 (hg19) VCF-style: chr19-50918815-C-A.
Other names: c.2685C>A, p.Ala895= (NM_001256849.1); c.2763C>A, p.Ala921= (NM_001308632.1).
Identifiers: ClinVar variation 835717 (VCV000835717.9), dbSNP rs768990776, ClinGen allele CA508305301.

ClinVar aggregate classification (germline): Uncertain significance (1 of 4 stars; one submission).

Conditions:
POLD1-related polyposis and colorectal cancer syndrome (CRCS10). Also called: Colorectal cancer 10; COLORECTAL CANCER, SUSCEPTIBILITY TO, ON CHROMOSOME 19q; Colorectal cancer, susceptibility to, 10. Identifiers: Orphanet 220460, MedGen C2675481, MONDO:0012953, OMIM 612591.

Submission:

Labcorp Genetics (formerly Invitae), Labcorp
Classification: Uncertain significance for POLD1-related polyposis and colorectal cancer syndrome. Last evaluated: 2019-04-03. Review status: criteria provided, single submitter. Criteria: Invitae Variant Classification Sherloc (09022015). Collection method: clinical testing. Allele origin: germline.
Comment: Algorithms developed to predict the effect of sequence changes on RNA splicing suggest that this variant may create or strengthen a splice site, but this prediction has not been confirmed by published transcriptional studies. This variant has not been reported in the literature in individuals with POLD1-related conditions. This variant is not present in population databases (ExAC no frequency). This sequence change affects codon 895 of the POLD1 mRNA. It is a 'silent' change, meaning that it does not change the encoded amino acid sequence of the POLD1 protein. In summary, the available evidence is currently insufficient to determine the role of this variant in disease. Therefore, it has been classified as a Variant of Uncertain Significance.